The following is an entry in ClinVar:

NM_000020.3(ACVRL1):c.714del (p.Trp239fs)

Gene: ACVRL1 (activin A receptor like type 1; plus strand). Cytogenetic location: 12q13.13.
Variant type: Deletion.
Coding change: c.714del on transcript NM_000020.3 (MANE Select); coding-DNA position 714, one base deleted (C; older notation c.714delC).
Protein change: p.Trp239fs; shifts the reading frame from tryptophan 239.
Molecular consequence: frameshift variant.
Genome position (GRCh38, 1-based): chr12:51,914,527, C deleted; the last of 2 consecutive C bases (chr12:51,914,526-51,914,527); deleting either gives the same sequence. VCF-style (leftmost placement, unchanged base first): chr12-51914525-TC-T. GRCh37 (hg19) VCF-style: chr12-52308309-TC-T.
Other names: c.714del, p.Trp239fs (NM_001077401.2); short protein forms W239fs.
Identifiers: ClinVar variation 841677 (VCV000841677.7), dbSNP rs1940783683, ClinGen allele CA916081668.

ClinVar aggregate classification (germline): Pathogenic (1 of 4 stars; one submission).

Conditions:
Telangiectasia, hereditary hemorrhagic, type 2 (HHT2). Also called: ACVRL1-Related Hereditary Hemorrhagic Telangiectasia; Telangiectasia, hereditary hemorrhagic, type II. Identifiers: Orphanet 774, MedGen C1838163, MONDO:0010880, OMIM 600376. Disease mechanism: loss of function.

Submission:

Labcorp Genetics (formerly Invitae), Labcorp
Classification: Pathogenic for Telangiectasia, hereditary hemorrhagic, type 2. Last evaluated: 2020-09-28. Review status: criteria provided, single submitter. Criteria: Invitae Variant Classification Sherloc (09022015). Collection method: clinical testing. Allele origin: germline.
Comment: This sequence change creates a premature translational stop signal (p.Trp239Glyfs*19) in the ACVRL1 gene. It is expected to result in an absent or disrupted protein product. This variant is not present in population databases (ExAC no frequency). This variant has not been reported in the literature in individuals with ACVRL1-related conditions. ClinVar contains an entry for this variant (Variation ID: 841677). Loss-of-function variants in ACVRL1 are known to be pathogenic (PMID: 15879500). For these reasons, this variant has been classified as Pathogenic.

Literature cited by the submitters: PubMed 15879500.